The following is an entry in ClinVar:

NM_173500.4(TTBK2):c.217+1G>A

Gene: TTBK2 (tau tubulin kinase 2; minus strand). Cytogenetic location: 15q15.2.
Variant type: single nucleotide variant.
Coding change: c.217+1G>A on transcript NM_173500.4 (MANE Select); the canonical splice donor site of the intron after coding-DNA position 217, G replaced by A.
Molecular consequence: splice donor variant.
Genome position (GRCh38, 1-based): chr15:42,872,610, C>T on the plus strand (G>A on the coding strand, the complement: TTBK2 is on the minus strand). VCF-style: chr15-42872610-C-T. GRCh37 (hg19) VCF-style: chr15-43164808-C-T.
Identifiers: ClinVar variation 4527203 (VCV004527203.1).

ClinVar aggregate classification (germline): Uncertain significance (1 of 4 stars; one submission).

gnomAD v4.1: 2 of 1,614,034 alleles (0.00012%); highest among the groups gnomAD compares: Non-Finnish European, 0.00017%; no homozygotes.

Submission:

GeneDx
Classification: Uncertain significance. Last evaluated: 2025-04-23. Review status: criteria provided, single submitter. Criteria: GeneDx Variant Classification Process June 2021. Collection method: clinical testing. Allele origin: germline. Affected: yes.
Comment: Canonical splice site variant in a gene or region of a gene for which loss of function is not a well-established mechanism of disease; Not observed at significant frequency in large population cohorts (gnomAD); Has not been previously published as pathogenic or benign to our knowledge